The following is an entry in ClinVar:

ClinVar aggregate classification (germline): Likely benign (1 of 4 stars; one submission).

Conditions:
Familial cancer of breast. Also called: Hereditary breast cancer; BREAST CANCER, FAMILIAL; hereditary breast carcinoma. Identifiers: Orphanet 227535, MedGen C0346153, MONDO:0016419, OMIM 114480. Disease mechanism: loss of function.

Submission:

Myriad Genetics, Inc.
Classification: Likely benign for Familial cancer of breast. Last evaluated: 2024-10-04. Review status: criteria provided, single submitter. Criteria: Myriad Autosomal Dominant, Autosomal Recessive and X-Linked Classification Criteria (2023). Collection method: clinical testing. Allele origin: unknown.
Comment: This variant is considered likely benign. This variant is intronic and is not expected to impact mRNA splicing.

NM_007194.4(CHEK2):c.1096-14G>A

Gene: CHEK2 (checkpoint kinase 2; minus strand). Cytogenetic location: 22q12.1.
Variant type: single nucleotide variant.
Coding change: c.1096-14G>A on transcript NM_007194.4 (MANE Select); 14 bases into the intron before coding-DNA position 1096, G replaced by A.
Molecular consequence: intron variant.
Genome position (GRCh38, 1-based): chr22:28,695,887, C>T on the plus strand (G>A on the coding strand, the complement: CHEK2 is on the minus strand). VCF-style: chr22-28695887-C-T. GRCh37 (hg19) VCF-style: chr22-29091875-C-T.
Other names: c.433-14G>A (NM_001437942.1, NM_001257387.3); c.895-14G>A (NM_001349956.3); c.1009-14G>A (NM_145862.3); c.1102-14G>A (NM_001438295.1); c.1189-14G>A (NM_001438293.1); c.1138-14G>A (NM_001438294.1); c.1225-14G>A (NM_001005735.3).
Identifiers: ClinVar variation 3773633 (VCV003773633.1).